The following is an entry in ClinVar:

ClinVar aggregate classification (germline): Uncertain significance. Review status: criteria provided, multiple submitters, no conflicts (2 of 4 stars). 2 submissions from 2 submitters: Uncertain significance (2). Last evaluated 2026-06-07.

Conditions:
Long QT syndrome (LQTS). Identifiers: MedGen C0023976, MeSH D008133, MONDO:0002442. Disease mechanism: loss of function. Inheritance: Various modes of inheritance.
Cardiovascular phenotype. Identifiers: MedGen CN230736.

Submissions (2):

Ambry Genetics
Classification: Uncertain significance for Cardiovascular phenotype. Last evaluated: 2026-06-07. Review status: criteria provided, single submitter. Criteria: Ambry Variant Classification Scheme 2023. Collection method: clinical testing. Allele origin: germline.
Comment: The p.D2595E variant (also known as c.7785T>G), located in coding exon 31 of the AKAP9 gene, results from a T to G substitution at nucleotide position 7785. The aspartic acid at codon 2595 is replaced by glutamic acid, an amino acid with highly similar properties. This amino acid position is conserved. In addition, this alteration is predicted to be tolerated by in silico analysis. Based on the available evidence, the clinical significance of this variant remains unclear.

Labcorp Genetics (formerly Invitae), Labcorp
Classification: Uncertain significance for Long QT syndrome. Last evaluated: 2025-11-03. Review status: criteria provided, single submitter. Criteria: Invitae Variant Classification Sherloc (09022015). Collection method: clinical testing. Allele origin: germline.
Comment: This sequence change replaces aspartic acid, which is acidic and polar, with glutamic acid, which is acidic and polar, at codon 2595 of the AKAP9 protein (p.Asp2595Glu). This variant is not present in population databases (gnomAD no frequency). This variant has not been reported in the literature in individuals affected with AKAP9-related conditions. An algorithm developed to predict the effect of missense changes on protein structure and function (PolyPhen-2) suggests that this variant is likely to be tolerated. In summary, the available evidence is currently insufficient to determine the role of this variant in disease. Therefore, it has been classified as a Variant of Uncertain Significance.

NM_005751.5(AKAP9):c.7785T>G (p.Asp2595Glu)

Gene: AKAP9 (A-kinase anchoring protein 9; plus strand). Cytogenetic location: 7q21.2.
Variant type: single nucleotide variant.
Coding change: c.7785T>G on transcript NM_005751.5 (MANE Select); coding-DNA position 7785, T replaced by G.
Protein change: p.Asp2595Glu; replaces aspartic acid 2595 with glutamic acid.
Molecular consequence: missense variant.
Genome position (GRCh38, 1-based): chr7:92,079,918, T>G. VCF-style: chr7-92079918-T-G. GRCh37 (hg19) VCF-style: chr7-91709232-T-G.
Other names: c.2430T>G, p.Asp810Glu (NM_001379277.1); c.7761T>G, p.Asp2587Glu (NM_147185.3); short protein forms D2595E, D810E, D2587E.
Identifiers: ClinVar variation 4722204 (VCV004722204.2).
Genomic context (GRCh38, chr7:92,079,918, plus strand): 5'-AACAATTTCATCAGAACCTGAAAGAACAAATATTCAGAATTTAAATCAACTAAGAGAAGA[T>G]GAGTTGGGGTCAGATATATCAGCATTAACCTTGAGAATATCAGAATTAGAAAGCCAGGTT-3'
Protein context (NP_005742.4, residues 2585-2605): NIQNLNQLRE[Asp2595Glu]ELGSDISALT